The following is an entry in ClinVar:

ClinVar aggregate classification (germline): Uncertain significance. Review status: criteria provided, multiple submitters, no conflicts (2 of 4 stars). 2 submissions from 2 submitters: Uncertain significance (2). Last evaluated 2024-07-11.

Conditions:
Ceroid lipofuscinosis, neuronal, 6A. Also called: Neuronal ceroid lipofuscinosis, late infantile, variant; CLN6-Related Neuronal Ceroid-Lipofuscinosis; Neuronal ceroid lipofuscinosis, Gypsy/Indian early juvenile variant; Neuronal ceroid lipofuscinosis 6. Identifiers: Orphanet 168491, Orphanet 228363, MedGen C5551375, MONDO:0011144, OMIM 601780.
Ceroid lipofuscinosis, neuronal, 6B (Kufs type). Also called: Neuronal ceroid lipofuscinosis 4A. Identifiers: Orphanet 700477, MedGen C5561927, MONDO:0008768, OMIM 204300.
Neuronal ceroid lipofuscinosis. Also called: Neuronal Ceroid Lipofuscinoses. Identifiers: Orphanet 216, Orphanet 79263, MedGen C0027877, MONDO:0016295. Disease mechanism: loss of function.

Allele frequency attached by ClinVar (database versions not stated): gnomAD 0.00001; gnomAD exomes 0.00001 and 0.00003; TOPMed 0.00002; ExAC 0.00003.

Submissions (2):

Labcorp Genetics (formerly Invitae), Labcorp
Classification: Uncertain significance for Neuronal ceroid lipofuscinosis. Last evaluated: 2024-07-11. Review status: criteria provided, single submitter. Criteria: Invitae Variant Classification Sherloc (09022015). Collection method: clinical testing. Allele origin: germline.
Comment: This sequence change replaces arginine, which is basic and polar, with histidine, which is basic and polar, at codon 106 of the CLN6 protein (p.Arg106His). This variant is present in population databases (rs781133812, gnomAD 0.03%). This missense change has been observed in individual(s) with Parkinson‚Äôs disease (PMID: 34867278). ClinVar contains an entry for this variant (Variation ID: 1015733). Advanced modeling of protein sequence and biophysical properties (such as structural, functional, and spatial information, amino acid conservation, physicochemical variation, residue mobility, and thermodynamic stability) performed at Invitae indicates that this missense variant is not expected to disrupt CLN6 protein function with a negative predictive value of 80%. In summary, the available evidence is currently insufficient to determine the role of this variant in disease. Therefore, it has been classified as a Variant of Uncertain Significance.

Fulgent Genetics
Classification: Uncertain significance for Ceroid lipofuscinosis, neuronal, 6B (Kufs type); Ceroid lipofuscinosis, neuronal, 6A. Last evaluated: 2022-03-03. Review status: criteria provided, single submitter. Criteria: ACMG Guidelines, 2015. Collection method: clinical testing. Allele origin: unknown.

Literature cited by the submitters: PubMed 34867278 (cited by Labcorp Genetics (formerly Invitae), Labcorp).

NM_017882.3(CLN6):c.317G>A (p.Arg106His)

Gene: CLN6 (CLN6 transmembrane ER protein; minus strand). Cytogenetic location: 15q23.
Variant type: single nucleotide variant.
Coding change: c.317G>A on transcript NM_017882.3 (MANE Select); coding-DNA position 317, G replaced by A.
Protein change: p.Arg106His; replaces arginine 106 with histidine.
Molecular consequence: missense variant.
Genome position (GRCh38, 1-based): chr15:68,211,844, C>T on the plus strand (G>A on the coding strand, the complement: CLN6 is on the minus strand). VCF-style: chr15-68211844-C-T. GRCh37 (hg19) VCF-style: chr15-68504182-C-T.
Other names: short protein forms R106H.
Identifiers: ClinVar variation 1015733 (VCV001015733.4), dbSNP rs781133812, ClinGen allele CA7630625.